The following is an entry in ClinVar:

NM_021813.4(BACH2):c.579G>A (p.Glu193=)

Gene: BACH2 (BACH transcriptional regulator 2; minus strand). Cytogenetic location: 6q15.
Variant type: single nucleotide variant.
Coding change: c.579G>A on transcript NM_021813.4 (MANE Select); coding-DNA position 579, G replaced by A.
Protein change: p.Glu193=; no amino-acid change (glutamic acid 193 retained).
Molecular consequence: synonymous variant.
Genome position (GRCh38, 1-based): chr6:89,951,527, C>T on the plus strand (G>A on the coding strand, the complement: BACH2 is on the minus strand). VCF-style: chr6-89951527-C-T. GRCh37 (hg19) VCF-style: chr6-90661246-C-T.
Other names: c.579G>A, p.Glu193= (NM_001170794.2); c.579G>A (NM_021813.3).
Identifiers: ClinVar variation 1144214 (VCV001144214.12), dbSNP rs777106735, ClinGen allele CA3928144.

ClinVar aggregate classification (germline): Likely benign. Review status: criteria provided, multiple submitters, no conflicts (2 of 4 stars). 3 submissions from 3 submitters: Likely benign (2). 1 of the submissions does not count toward it. Last evaluated 2026-02-01.

Conditions:
BACH2-related disorder. Also called: BACH2-related condition.

Allele frequency attached by ClinVar (database versions not stated): ExAC 0.00007; gnomAD 0.00007 and 0.00008; gnomAD exomes 0.00010 and 0.00011; TOPMed 0.00012.
gnomAD v4.1: 151 of 1,614,118 alleles (0.0094%); highest among the groups gnomAD compares: Non-Finnish European, 0.012%; no homozygotes.

Submissions (3):

Labcorp Genetics (formerly Invitae), Labcorp
Classification: Likely benign. Last evaluated: 2026-02-01. Review status: criteria provided, single submitter. Criteria: Invitae Variant Classification Sherloc (09022015). Collection method: clinical testing. Allele origin: germline.

Blueprint Genetics
Classification: Likely benign. Last evaluated: 2024-11-25. Review status: criteria provided, single submitter. Criteria: ACMG Guidelines, 2015. Collection method: clinical testing. Allele origin: germline.

PreventionGenetics, part of Exact Sciences
Classification: Likely benign for BACH2-related condition. Last evaluated: 2020-05-04. Review status: no assertion criteria provided. Collection method: clinical testing. Allele origin: germline. Not counted in ClinVar's aggregate classification.
Comment: This variant is classified as likely benign based on ACMG/AMP sequence variant interpretation guidelines (Richards et al. 2015 PMID: 25741868, with internal and published modifications).